The following is an entry in ClinVar:

ClinVar aggregate classification (germline): Pathogenic (1 of 4 stars; one submission).

Allele frequency attached by ClinVar (database versions not stated): gnomAD exomes below 0.00001; ExAC 0.00001.
gnomAD v4.1: 1 of 1,614,028 alleles (0.000062%); highest among the groups gnomAD compares: Admixed American, 0.0017%; no homozygotes.

Submission:

Labcorp Genetics (formerly Invitae), Labcorp
Classification: Pathogenic. Last evaluated: 2021-10-10. Review status: criteria provided, single submitter. Criteria: Invitae Variant Classification Sherloc (09022015). Collection method: clinical testing. Allele origin: germline.
Comment: For these reasons, this variant has been classified as Pathogenic. Algorithms developed to predict the effect of sequence changes on RNA splicing suggest that this variant may create or strengthen a splice site. This variant has not been reported in the literature in individuals affected with LRP2-related conditions. This variant is present in population databases (rs750123001, ExAC 0.009%). This sequence change creates a premature translational stop signal (p.Cys3525*) in the LRP2 gene. It is expected to result in an absent or disrupted protein product. Loss-of-function variants in LRP2 are known to be pathogenic (PMID: 17632512, 25682901).

Literature cited by the submitters: PubMed 17632512; PubMed 25682901.

NM_004525.3(LRP2):c.10575C>A (p.Cys3525Ter)

Gene: LRP2 (LDL receptor related protein 2; minus strand). Cytogenetic location: 2q31.1.
Variant type: single nucleotide variant.
Coding change: c.10575C>A on transcript NM_004525.3 (MANE Select); coding-DNA position 10575, C replaced by A.
Protein change: p.Cys3525Ter; replaces cysteine 3525 with a stop codon.
Molecular consequence: nonsense.
Genome position (GRCh38, 1-based): chr2:169,175,386, G>T on the plus strand (C>A on the coding strand, the complement: LRP2 is on the minus strand). VCF-style: chr2-169175386-G-T. GRCh37 (hg19) VCF-style: chr2-170031896-G-T.
Other names: short protein forms C3525*.
Identifiers: ClinVar variation 1452044 (VCV001452044.6), dbSNP rs750123001, ClinGen allele CA1953296.